The following is an entry in ClinVar:

ClinVar aggregate classification (germline): Uncertain significance. Review status: reviewed by expert panel (3 of 4 stars). 4 submissions from 4 submitters: Uncertain significance (1). 3 of the submissions do not count toward it. Last evaluated 2026-07-20.

Conditions:
Deficiency of UDPglucose-hexose-1-phosphate uridylyltransferase. Also called: GALT deficiency; Galactosemia, classic; GALACTOSEMIA I; GALACTOSE-1-PHOSPHATE URIDYLYLTRANSFERASE DEFICIENCY; Transferase Deficiency Galactosemia. Identifiers: Orphanet 352, Orphanet 79239, MedGen C0268151, MONDO:0009258, OMIM 230400.
Galactosemia. Also called: Galactose intolerance. Identifiers: Orphanet 352, MedGen C0016952, MONDO:0018116, HP:0004919. Disease mechanism: loss of function.

Allele frequency attached by ClinVar (database versions not stated): TOPMed 0.00004; gnomAD 0.00006 and 0.00007; gnomAD exomes 0.00010; ESP Exome Variant Server 0.00015; 1000 Genomes Project 30x 0.00016; ExAC 0.00017; 1000 Genomes Project 0.00020.

Submissions (4):

Clingen Galactosemia Variant Curation Expert Panel, ClinGen
Classification: Uncertain significance for Galactosemia. Last evaluated: 2026-07-20. Review status: reviewed by expert panel. Criteria: ClinGen Galactosemia ACMG Specifications GALT V1.1. Collection method: curation. Allele origin: germline. Inheritance: Autosomal recessive inheritance.
Comment: The c.211C>T variant in GALT is a missense variant predicted to cause substitution of leucine by phenylalanine at amino acid 71 (p.Leu71Phe). This variant has been observed in cis with the variant p.Glu160del (PMID: 31194895) which is classified as a variant of uncertain significance (VarID: 4068327) in an individual with galactosemia. The phase of the variants was confirmed by parental testing. The filtering allele frequency (the upper threshold of the 95% CI of 184/1614194) in GALT is 0.00013165 in the European (Non-Finnish) by gnomAD v4.1, which is lower than the ClinGen Galactosemia threshold (≤ 0.0005) for PM2_Supporting, and therefore meets this criterion (PM2_Supporting). The computational predictor REVEL gives a SCORE of 0.513, which is below the threshold of 0.7, evidence that correlates with uncertain impact to GALT function. In summary, this variant meets the criteria to be classified as Uncertain significance for galactosemia based on the ACMG/AMP criteria applied, as specified by the ClinGen Galactosemia VCEP: PM2_supporting.

OLLIN Analises Genomicas, OLLIN
Classification: Uncertain significance for Deficiency of UDPglucose-hexose-1-phosphate uridylyltransferase. Last evaluated: 2026-08-06. Review status: criteria provided, single submitter. Criteria: ACMG Guidelines 2015 PMID 25741868. Collection method: clinical testing. Allele origin: germline. Not counted in ClinVar's aggregate classification.
Comment: This missense variant, located in exon 2 (of 11), has been reported in ClinVar (accession VCV000495673.7) and in gnomAD with an allele frequency of 0.011%. However, to our knowledge, it has not been reported in the scientific literature. In silico analysis is inconclusive regarding the impact of this variant. This gene is constrained for missense variation. According to the currently available evidence, this variant has been classified as uncertain significance (PM2_P, PP2).

Labcorp Genetics (formerly Invitae), Labcorp
Classification: Likely benign for Deficiency of UDPglucose-hexose-1-phosphate uridylyltransferase. Last evaluated: 2025-12-21. Review status: criteria provided, single submitter. Criteria: Invitae Variant Classification Sherloc (09022015). Collection method: clinical testing. Allele origin: germline. Not counted in ClinVar's aggregate classification.

Illumina Laboratory Services, Illumina
Classification: Uncertain significance for Deficiency of UDPglucose-hexose-1-phosphate uridylyltransferase. Last evaluated: 2017-04-27. Review status: criteria provided, single submitter. Criteria: ICSL Variant Classification Criteria 13 December 2019. Collection method: clinical testing. Allele origin: germline. Not counted in ClinVar's aggregate classification.

NM_000155.4(GALT):c.211C>T (p.Leu71Phe)

Genes: GALT (galactose-1-phosphate uridylyltransferase; plus strand), LOC130001683 (ATAC-STARR-seq lymphoblastoid active region 28314; plus strand). Cytogenetic location: 9p13.3.
Variant type: single nucleotide variant.
Coding change: c.211C>T on transcript NM_000155.4 (MANE Select); coding-DNA position 211, C replaced by T.
Protein change: p.Leu71Phe; replaces leucine 71 with phenylalanine.
Molecular consequence: missense variant. On other transcripts: synonymous variant (1).
Genome position (GRCh38, 1-based): chr9:34,647,217, C>T. VCF-style: chr9-34647217-C-T. GRCh37 (hg19) VCF-style: chr9-34647214-C-T.
Other names: NM_000155.4(GALT):c.211C>T; p.Leu71Phe; c.9C>T, p.Leu3= (NM_001258332.2); short protein forms L71F.
Identifiers: ClinVar variation 913655 (VCV000913655.15), dbSNP rs143994870, ClinGen allele CA5036038.